The following is an entry in ClinVar:

NM_198576.4(AGRN):c.952+6C>A

Gene: AGRN (agrin; plus strand). Cytogenetic location: 1p36.33.
Variant type: single nucleotide variant.
Coding change: c.952+6C>A on transcript NM_198576.4 (MANE Select); 6 bases into the intron after coding-DNA position 952, C replaced by A.
Molecular consequence: intron variant.
Genome position (GRCh38, 1-based): chr1:1,041,403, C>A. VCF-style: chr1-1041403-C-A. GRCh37 (hg19) VCF-style: chr1-976783-C-A.
Other names: c.952+6C>A (NM_001305275.2); c.637+6C>A (NM_001364727.2).
Identifiers: ClinVar variation 1348245 (VCV001348245.6), dbSNP rs980423212, ClinGen allele CA520659428.

ClinVar aggregate classification (germline): Uncertain significance (1 of 4 stars; one submission).

Conditions:
Congenital myasthenic syndrome 8. Also called: MYASTHENIC SYNDROME, CONGENITAL, DUE TO AGRIN DEFICIENCY; Myasthenic syndrome, congenital, 8, with pre- and postsynaptic defects. Identifiers: Orphanet 590, MedGen C3808739, MONDO:0014052, OMIM 615120.

gnomAD v4.1: 8 of 1,543,968 alleles (0.00052%); highest among the groups gnomAD compares: South Asian, 0.0059%; no homozygotes.

Submission:

Labcorp Genetics (formerly Invitae), Labcorp
Classification: Uncertain significance for Congenital myasthenic syndrome 8. Last evaluated: 2022-08-23. Review status: criteria provided, single submitter. Criteria: Invitae Variant Classification Sherloc (09022015). Collection method: clinical testing. Allele origin: germline.
Comment: In summary, the available evidence is currently insufficient to determine the role of this variant in disease. Therefore, it has been classified as a Variant of Uncertain Significance. Variants that disrupt the consensus splice site are a relatively common cause of aberrant splicing (PMID: 17576681, 9536098). Algorithms developed to predict the effect of sequence changes on RNA splicing suggest that this variant is not likely to affect RNA splicing. ClinVar contains an entry for this variant (Variation ID: 1348245). This variant has not been reported in the literature in individuals affected with AGRN-related conditions. The frequency data for this variant in the population databases is considered unreliable, as metrics indicate poor data quality at this position in the gnomAD database. This sequence change falls in intron 5 of the AGRN gene. It does not directly change the encoded amino acid sequence of the AGRN protein. It affects a nucleotide within the consensus splice site.

Literature cited by the submitters: PubMed 17576681; PubMed 9536098.